The following is an entry in ClinVar:

ClinVar aggregate classification (germline): Likely pathogenic (1 of 4 stars; one submission).

Submission:

Labcorp Genetics (formerly Invitae), Labcorp
Classification: Likely pathogenic. Last evaluated: 2023-11-10. Review status: criteria provided, single submitter. Criteria: Invitae Variant Classification Sherloc (09022015). Collection method: clinical testing. Allele origin: germline.
Comment: This sequence change affects an acceptor splice site in intron 73 of the COL7A1 gene. It is expected to disrupt RNA splicing. Variants that disrupt the donor or acceptor splice site typically lead to a loss of protein function (PMID: 16199547), and loss-of-function variants in COL7A1 are known to be pathogenic (PMID: 16971478). This variant is not present in population databases (gnomAD no frequency). This variant has not been reported in the literature in individuals affected with COL7A1-related conditions. ClinVar contains an entry for this variant (Variation ID: 2077871). Algorithms developed to predict the effect of sequence changes on RNA splicing suggest that this variant may disrupt the consensus splice site. In summary, the currently available evidence indicates that the variant is pathogenic, but additional data are needed to prove that conclusively. Therefore, this variant has been classified as Likely Pathogenic.

Literature cited by the submitters: PubMed 16199547; PubMed 16971478.

NM_000094.4(COL7A1):c.6181-1G>T

Gene: COL7A1 (collagen type VII alpha 1 chain; minus strand). Cytogenetic location: 3p21.31.
Variant type: single nucleotide variant.
Coding change: c.6181-1G>T on transcript NM_000094.4 (MANE Select); the canonical splice acceptor site of the intron before coding-DNA position 6181, G replaced by T.
Molecular consequence: splice acceptor variant.
Genome position (GRCh38, 1-based): chr3:48,575,243, C>A on the plus strand (G>T on the coding strand, the complement: COL7A1 is on the minus strand). VCF-style: chr3-48575243-C-A. GRCh37 (hg19) VCF-style: chr3-48612676-C-A.
Identifiers: ClinVar variation 2077871 (VCV002077871.4), dbSNP rs2530966816, ClinGen allele CA352662732.